The following is an entry in ClinVar:

NM_007294.3(BRCA1):c.135-?_5193+?del

Gene: BRCA1 (BRCA1 DNA repair associated; minus strand).
Variant type: Deletion.
Coding change: c.135-?_5193+?del on transcript NM_007294.3.
Other names: c.135-?_5193+?del (LRG_292t1).
Identifiers: ClinVar variation 216101 (VCV000216101.1).

ClinVar aggregate classification (germline): Pathogenic (1 of 4 stars; one submission).

Conditions:
Hereditary breast ovarian cancer syndrome. Also called: Hereditary breast and/or ovarian cancer syndrome; Breast and ovarian cancer; BRCA1- and BRCA2-Associated Hereditary Breast and Ovarian Cancer; Hereditary breast and ovarian cancer syndrome; Hereditary breast and ovarian cancer syndrome (HBOC); Hereditary breast and ovarian cancer. Identifiers: Orphanet 145, MedGen C0677776, MeSH D061325, MONDO:0003582. Disease mechanism: loss of function.

Submission:

Labcorp Genetics (formerly Invitae), Labcorp
Classification: Pathogenic for BRCA1 and BRCA2 Hereditary Breast and Ovarian Cancer. Last evaluated: 2015-02-20. Review status: criteria provided, single submitter. Criteria: Invitae Variant Classification Sherloc (09022015). Collection method: clinical testing. Allele origin: germline.
Comment: This sequence change is a gross deletion of the genomic region encompassing exons 4-18 of the BRCA1 gene. This deletion extends to both edges of the assayed region, and the 5' and 3' boundaries of this event are not known. This deletion causes a translational frameshift and is expected to result in an absent or disrupted protein product While this particular variant has not been reported in the literature, truncating sequence changes in BRCA1 are known to be pathogenic (PMID: 20104584). For these reasons, this variant has been classified as Pathogenic.